The following is an entry in ClinVar:

ClinVar aggregate classification (germline): Likely benign. Review status: criteria provided, multiple submitters, no conflicts (2 of 4 stars). 2 submissions from 2 submitters: Likely benign (2). Last evaluated 2024-10-10.

Conditions:
Hereditary diffuse gastric adenocarcinoma (HDGC). Also called: DIFFUSE GASTRIC AND LOBULAR BREAST CANCER SYNDROME. Identifiers: Orphanet 26106, MedGen C1708349, MONDO:0007648, OMIM 137215.

Submissions (2):

Myriad Genetics, Inc.
Classification: Likely benign for Hereditary diffuse gastric adenocarcinoma. Last evaluated: 2024-10-10. Review status: criteria provided, single submitter. Criteria: Myriad Autosomal Dominant, Autosomal Recessive and X-Linked Classification Criteria (2023). Collection method: clinical testing. Allele origin: unknown.
Comment: This variant is considered likely benign. This variant is intronic and is not expected to impact mRNA splicing.

Labcorp Genetics (formerly Invitae), Labcorp
Classification: Likely benign. Last evaluated: 2024-02-03. Review status: criteria provided, single submitter. Criteria: Invitae Variant Classification Sherloc (09022015). Collection method: clinical testing. Allele origin: germline.

NM_001903.5(CTNNA1):c.858+7T>C

Gene: CTNNA1 (catenin alpha 1; plus strand). Cytogenetic location: 5q31.2.
Variant type: single nucleotide variant.
Coding change: c.858+7T>C on transcript NM_001903.5 (MANE Select); 7 bases into the intron after coding-DNA position 858, T replaced by C.
Molecular consequence: intron variant.
Genome position (GRCh38, 1-based): chr5:138,824,806, T>C. VCF-style: chr5-138824806-T-C. GRCh37 (hg19) VCF-style: chr5-138160495-T-C.
Other names: c.858+7T>C (NM_001323982.2, NM_001323984.2, NM_001290307.3 and 3 more transcripts); c.489+7T>C (NM_001290310.3); c.549+7T>C (NM_001290309.3).
Identifiers: ClinVar variation 3638593 (VCV003638593.3).